The following is an entry in ClinVar:

NM_006231.4(POLE):c.5878G>T (p.Asp1960Tyr)

Gene: POLE (DNA polymerase epsilon, catalytic subunit; minus strand). Cytogenetic location: 12q24.33.
Variant type: single nucleotide variant.
Coding change: c.5878G>T on transcript NM_006231.4 (MANE Select); coding-DNA position 5878, G replaced by T.
Protein change: p.Asp1960Tyr; replaces aspartic acid 1960 with tyrosine.
Molecular consequence: missense variant.
Genome position (GRCh38, 1-based): chr12:132,634,312, C>A on the plus strand (G>T on the coding strand, the complement: POLE is on the minus strand). VCF-style: chr12-132634312-C-A. GRCh37 (hg19) VCF-style: chr12-133210898-C-A.
Other names: short protein forms D1960Y.
Identifiers: ClinVar variation 567270 (VCV000567270.10), dbSNP rs1565928596, ClinGen allele CA387371687.
Genomic context (GRCh38, chr12:132,634,312, plus strand): 5'-AGTTGTTTTCCAGTAAATCCTCCACGTTGGATTCCTCCGCCTCTTCCTCCTCCTCCCCAT[C>A]TCTTTCCTCCTCATCGTCCTCATTTTCCTGCTCATCCTCTGCTCCCCCTGCTTTCTGGGA-3'
Protein context (NP_006222.2, residues 1950-1970): QENEDDEEER[Asp1960Tyr]GEEEEEAEES

ClinVar aggregate classification (germline): Uncertain significance. Review status: criteria provided, multiple submitters, no conflicts (2 of 4 stars). 2 submissions from 2 submitters: Uncertain significance (2). Last evaluated 2021-10-16.

Conditions:
Hereditary cancer-predisposing syndrome. Also called: Neoplastic Syndromes, Hereditary; Tumor predisposition; Hereditary neoplastic syndrome; Hereditary Cancer Syndrome. Identifiers: Orphanet 140162, MedGen C0027672, MeSH D009386, MONDO:0015356.

Submissions (2):

Labcorp Genetics (formerly Invitae), Labcorp
Classification: Uncertain significance. Last evaluated: 2021-10-16. Review status: criteria provided, single submitter. Criteria: Invitae Variant Classification Sherloc (09022015). Collection method: clinical testing. Allele origin: germline.
Comment: This sequence change replaces aspartic acid with tyrosine at codon 1960 of the POLE protein (p.Asp1960Tyr). The aspartic acid residue is weakly conserved and there is a large physicochemical difference between aspartic acid and tyrosine. This variant is not present in population databases (ExAC no frequency). In summary, the available evidence is currently insufficient to determine the role of this variant in disease. Therefore, it has been classified as a Variant of Uncertain Significance. Algorithms developed to predict the effect of missense changes on protein structure and function are either unavailable or do not agree on the potential impact of this missense change (SIFT: "Deleterious"; PolyPhen-2: "Benign"; Align-GVGD: "Class C0"). This variant has not been reported in the literature in individuals affected with POLE-related conditions.

Ambry Genetics
Classification: Uncertain significance for Hereditary cancer-predisposing syndrome. Last evaluated: 2021-09-30. Review status: criteria provided, single submitter. Criteria: Ambry Variant Classification Scheme 2023. Collection method: clinical testing. Allele origin: germline.
Comment: The p.D1960Y variant (also known as c.5878G>T), located in coding exon 43 of the POLE gene, results from a G to T substitution at nucleotide position 5878. The aspartic acid at codon 1960 is replaced by tyrosine, an amino acid with highly dissimilar properties. This amino acid position is conserved. In addition, this alteration is predicted to be tolerated by in silico analysis. Since supporting evidence is limited at this time, the clinical significance of this alteration remains unclear.